The following is an entry in ClinVar:

ClinVar aggregate classification (germline): Uncertain significance. Review status: criteria provided, multiple submitters, no conflicts (2 of 4 stars). 2 submissions from 2 submitters: Uncertain significance (2). Last evaluated 2021-09-30.

Conditions:
Seizure. Also called: Seizures. Identifiers: MedGen C0036572, HP:0001250.
Neurodevelopmental delay. Identifiers: MedGen C4022738, HP:0012758.

Submissions (2):

Institute of Human Genetics, University of Leipzig Medical Center
Classification: Uncertain significance for Neurodevelopmental delay; Seizure. Last evaluated: 2021-09-30. Review status: criteria provided, single submitter. Criteria: ACMG Guidelines, 2015. Collection method: clinical testing. Allele origin: de novo. Affected: yes.
Comment: This variant was identified as de novo (maternity and paternity confirmed).

Blueprint Genetics
Classification: Uncertain significance. Last evaluated: 2021-03-30. Review status: criteria provided, single submitter. Criteria: ACMG Guidelines, 2015. Collection method: clinical testing. Allele origin: germline.

NM_005614.4(RHEB):c.47C>T (p.Ser16Phe)

Gene: RHEB (Ras homolog, mTORC1 binding; minus strand). Cytogenetic location: 7q36.1.
Variant type: single nucleotide variant.
Coding change: c.47C>T on transcript NM_005614.4 (MANE Select); coding-DNA position 47, C replaced by T.
Protein change: p.Ser16Phe; replaces serine 16 with phenylalanine.
Molecular consequence: missense variant.
Genome position (GRCh38, 1-based): chr7:151,519,465, G>A on the plus strand (C>T on the coding strand, the complement: RHEB is on the minus strand). VCF-style: chr7-151519465-G-A. GRCh37 (hg19) VCF-style: chr7-151216551-G-A.
Other names: short protein forms S16F.
Identifiers: ClinVar variation 975870 (VCV000975870.4), dbSNP rs1803142082, ClinGen allele CA370068357.